The following is an entry in ClinVar:

NM_014946.4(SPAST):c.601G>A (p.Val201Ile)

Gene: SPAST (spastin; plus strand). Cytogenetic location: 2p22.3.
Variant type: single nucleotide variant.
Coding change: c.601G>A on transcript NM_014946.4 (MANE Select); coding-DNA position 601, G replaced by A.
Protein change: p.Val201Ile; replaces valine 201 with isoleucine.
Molecular consequence: missense variant. On other transcripts: intron variant (3).
Genome position (GRCh38, 1-based): chr2:32,098,810, G>A. VCF-style: chr2-32098810-G-A. GRCh37 (hg19) VCF-style: chr2-32323879-G-A.
Other names: c.598G>A, p.Val200Ile (NM_001363823.2); c.586+9205G>A (NM_199436.2, NM_001377959.1); c.583+9205G>A (NM_001363875.2); short protein forms V201I, V200I.
Identifiers: ClinVar variation 2320504 (VCV002320504.5), dbSNP rs932809798, ClinGen allele CA45206255.

ClinVar aggregate classification (germline): Uncertain significance. Review status: criteria provided, multiple submitters, no conflicts (2 of 4 stars). 2 submissions from 2 submitters: Uncertain significance (2). Last evaluated 2024-03-11.

Conditions:
Hereditary spastic paraplegia 4. Also called: Spastic paraplegia 4, autosomal dominant; Familial spastic paraplegia autosomal dominant 2; Spastic Paraplegia 4. Identifiers: Orphanet 100985, MedGen C1866855, MONDO:0008438, OMIM 182601.
Inborn genetic diseases. Identifiers: MedGen C0950123, MeSH D030342.

Allele frequency attached by ClinVar (database versions not stated): gnomAD exomes below 0.00001.
gnomAD v4.1: 4 of 1,613,078 alleles (0.00025%); highest among the groups gnomAD compares: East Asian, 0.0022%; no homozygotes.

Submissions (2):

Labcorp Genetics (formerly Invitae), Labcorp
Classification: Uncertain significance for Hereditary spastic paraplegia 4. Last evaluated: 2024-03-11. Review status: criteria provided, single submitter. Criteria: Invitae Variant Classification Sherloc (09022015). Collection method: clinical testing. Allele origin: germline.
Comment: This sequence change replaces valine, which is neutral and non-polar, with isoleucine, which is neutral and non-polar, at codon 201 of the SPAST protein (p.Val201Ile). This variant is not present in population databases (gnomAD no frequency). This variant has not been reported in the literature in individuals affected with SPAST-related conditions. ClinVar contains an entry for this variant (Variation ID: 2320504). Advanced modeling of protein sequence and biophysical properties (such as structural, functional, and spatial information, amino acid conservation, physicochemical variation, residue mobility, and thermodynamic stability) performed at Invitae indicates that this missense variant is not expected to disrupt SPAST protein function with a negative predictive value of 95%. In summary, the available evidence is currently insufficient to determine the role of this variant in disease. Therefore, it has been classified as a Variant of Uncertain Significance.

Ambry Genetics
Classification: Uncertain significance for Inborn genetic diseases. Last evaluated: 2022-10-26. Review status: criteria provided, single submitter. Criteria: Ambry Variant Classification Scheme 2023. Collection method: clinical testing. Allele origin: germline.